The following is an entry in ClinVar:

NM_000518.5(HBB):c.92+6T>A

Genes: HBB (hemoglobin subunit beta; minus strand), LOC106099062 (HBB recombination region; plus strand), LOC107133510 (origin of replication at HBB; plus strand). Cytogenetic location: 11p15.4.
Variant type: single nucleotide variant.
Coding change: c.92+6T>A on transcript NM_000518.5 (MANE Select); 6 bases into the intron after coding-DNA position 92, T replaced by A.
Molecular consequence: intron variant.
Genome position (GRCh38, 1-based): chr11:5,226,924, A>T on the plus strand (T>A on the coding strand, the complement: HBB is on the minus strand). VCF-style: chr11-5226924-A-T. GRCh37 (hg19) VCF-style: chr11-5248154-A-T.
Identifiers: ClinVar variation 439165 (VCV000439165.2), dbSNP rs35724775, ClinGen allele CA217115016.

ClinVar aggregate classification (germline): Uncertain significance (1 of 4 stars; one submission).

Submission:

Quest Diagnostics Nichols Institute San Juan Capistrano
Classification: Uncertain significance. Last evaluated: 2023-06-13. Review status: criteria provided, single submitter. Criteria: Quest Diagnostics criteria. Collection method: clinical testing. Allele origin: unknown.
Comment: The HBB c.92+6T>A variant, to the best of our knowledge, has not been reported in the published literature. It also has not been reported in large, multi-ethnic general populations (Genome Aggregation Database). A different variant at the same position, c.92+6T>C, interferes with beta-globin mRNA splicing and is associated with beta(+)-thalassemia. Based on the available information, we are unable to determine the clinical significance of the c.92+6T>A variant. Clinical correlation and genetic counseling are recommended.